The following is an entry in ClinVar:

ClinVar aggregate classification (germline): Likely benign. Review status: criteria provided, multiple submitters, no conflicts (2 of 4 stars). 2 submissions from 2 submitters: Likely benign (2). Last evaluated 2023-09-17.

Conditions:
Ehlers-Danlos syndrome, type 4 (EDSVASC). Also called: Ehlers-Danlos Syndrome Type IV; Ehlers-Danlos syndrome vascular type; Ehlers Danlos syndrome, ecchymotic type; Ehlers Danlos syndrome, arterial type; Ehlers Danlos syndrome, Sack-Barabas type. Identifiers: Orphanet 286, MedGen C0268338, MONDO:0017314, OMIM 130050.
Familial thoracic aortic aneurysm and aortic dissection (TAAD). Also called: Thoracic aortic aneurysms and dissections. Identifiers: Orphanet 91387, MedGen C4707243, MONDO:0019625.

Submissions (2):

All of Us Research Program, National Institutes of Health
Classification: Likely benign for Ehlers-Danlos syndrome, type 4. Last evaluated: 2023-09-17. Review status: criteria provided, single submitter. Criteria: ACMG Guidelines, 2015. Collection method: clinical testing. Allele origin: germline. Inheritance: Autosomal dominant inheritance. Observed: 1 variant allele, 1 heterozygote.
Comment: This study involves interpretation of variants in research participants for the purpose of population health screening. Participant phenotype was not available at the time of variant classification. Additional details can be found in publication PMID: 35346344, PMCID: PMC8962531

Color Diagnostics, LLC DBA Color Health
Classification: Likely benign for Familial thoracic aortic aneurysm and aortic dissection. Last evaluated: 2018-11-23. Review status: criteria provided, single submitter. Criteria: ACMG Guidelines, 2015. Collection method: clinical testing. Allele origin: germline.

NM_000090.4(COL3A1):c.2554-6A>G

Gene: COL3A1 (collagen type III alpha 1 chain; plus strand). Cytogenetic location: 2q32.2.
Variant type: single nucleotide variant.
Coding change: c.2554-6A>G on transcript NM_000090.4 (MANE Select); 6 bases into the intron before coding-DNA position 2554, A replaced by G.
Molecular consequence: intron variant.
Genome position (GRCh38, 1-based): chr2:189,003,405, A>G. VCF-style: chr2-189003405-A-G. GRCh37 (hg19) VCF-style: chr2-189868131-A-G.
Identifiers: ClinVar variation 922642 (VCV000922642.3), dbSNP rs1688514197, ClinGen allele CA913187990.